The following is an entry in ClinVar:

NM_004655.4(AXIN2):c.1976G>T (p.Arg659Leu)

Gene: AXIN2 (axin 2; minus strand). Cytogenetic location: 17q24.1.
Variant type: single nucleotide variant.
Coding change: c.1976G>T on transcript NM_004655.4 (MANE Select); coding-DNA position 1976, G replaced by T.
Protein change: p.Arg659Leu; replaces arginine 659 with leucine.
Molecular consequence: missense variant.
Genome position (GRCh38, 1-based): chr17:65,536,485, C>A on the plus strand (G>T on the coding strand, the complement: AXIN2 is on the minus strand). VCF-style: chr17-65536485-C-A. GRCh37 (hg19) VCF-style: chr17-63532603-C-A.
Other names: c.1781G>T, p.Arg594Leu (NM_001363813.1); short protein forms R659L, R594L.
Identifiers: ClinVar variation 3470316 (VCV003470316.1).

ClinVar aggregate classification (germline): Uncertain significance (1 of 4 stars; one submission).

Conditions:
Hereditary cancer-predisposing syndrome. Also called: Tumor predisposition; Neoplastic Syndromes, Hereditary; Hereditary neoplastic syndrome; Hereditary Cancer Syndrome. Identifiers: Orphanet 140162, MedGen C0027672, MeSH D009386, MONDO:0015356.

gnomAD v4.1: 1 of 1,613,788 alleles (0.000062%); highest among the groups gnomAD compares: South Asian, 0.0011%; no homozygotes.

Submission:

Ambry Genetics
Classification: Uncertain significance for Hereditary cancer-predisposing syndrome. Last evaluated: 2024-08-27. Review status: criteria provided, single submitter. Criteria: Ambry Variant Classification Scheme 2023. Collection method: clinical testing. Allele origin: germline.
Comment: The p.R659L variant (also known as c.1976G>T), located in coding exon 7 of the AXIN2 gene, results from a G to T substitution at nucleotide position 1976. The arginine at codon 659 is replaced by leucine, an amino acid with dissimilar properties. This amino acid position is conserved. In addition, the in silico prediction for this alteration is inconclusive. Based on the available evidence, the clinical significance of this variant remains unclear.